The following is an entry in ClinVar:

ClinVar aggregate classification (germline): Uncertain significance (1 of 4 stars; one submission).

Conditions:
Hereditary cancer-predisposing syndrome. Also called: Neoplastic Syndromes, Hereditary; Tumor predisposition; Hereditary Cancer Syndrome; Hereditary neoplastic syndrome. Identifiers: Orphanet 140162, MedGen C0027672, MeSH D009386, MONDO:0015356.

Submission:

Ambry Genetics
Classification: Uncertain significance for Hereditary cancer-predisposing syndrome. Last evaluated: 2026-05-16. Review status: criteria provided, single submitter. Criteria: Ambry Variant Classification Scheme 2023. Collection method: clinical testing. Allele origin: germline.
Comment: The p.K143E variant (also known as c.427A>G), located in coding exon 4 of the RB1 gene, results from an A to G substitution at nucleotide position 427. The lysine at codon 143 is replaced by glutamic acid, an amino acid with similar properties. This amino acid position is conserved. In addition, the in silico prediction for this alteration is inconclusive. Based on the available evidence, the clinical significance of this variant remains unclear.

NM_000321.3(RB1):c.427A>G (p.Lys143Glu)

Gene: RB1 (RB transcriptional corepressor 1; plus strand). Cytogenetic location: 13q14.2.
Variant type: single nucleotide variant.
Coding change: c.427A>G on transcript NM_000321.3 (MANE Select); coding-DNA position 427, A replaced by G.
Protein change: p.Lys143Glu; replaces lysine 143 with glutamic acid.
Molecular consequence: missense variant.
Genome position (GRCh38, 1-based): chr13:48,345,126, A>G. VCF-style: chr13-48345126-A-G. GRCh37 (hg19) VCF-style: chr13-48919262-A-G.
Other names: c.427A>G, p.Lys143Glu (NM_001407166.1, NM_001407165.1); short protein forms K143E.
Identifiers: ClinVar variation 4863034 (VCV004863034.1).
Genomic context (GRCh38, chr13:48,345,126, plus strand): 5'-TCTTTCCTTTGTAGTGTCCATAAATTCTTTAACTTACTAAAAGAAATTGATACCAGTACC[A>G]AAGTTGATAATGCTATGTCAAGACTGTTGAAGAAGTATGATGTATTGTTTGCACTCTTCA-3'
Protein context (NP_000312.2, residues 133-153): NLLKEIDTST[Lys143Glu]VDNAMSRLLK